The following is an entry in ClinVar:

NM_000501.4(ELN):c.1884_1886dup (p.Ala630_Lys631insAla)

Gene: ELN (elastin; plus strand). Cytogenetic location: 7q11.23.
Variant type: Duplication.
Coding change: c.1884_1886dup on transcript NM_000501.4 (MANE Select); coding-DNA positions 1884 to 1886, 3 bases duplicated (CGC; older notation c.1884_1886dupCGC).
Protein change: p.Ala630_Lys631insAla.
Genome position (GRCh38, 1-based): chr7:74,063,335-74,063,337, CGC duplicated; duplicating any 3 consecutive bases within chr7:74,063,333-74,063,337 gives the same sequence; the c. name uses the placement nearest the transcript's 3' end. VCF-style (leftmost placement, unchanged base first): chr7-74063332-T-TGCC. GRCh37 (hg19) VCF-style: chr7-73477662-T-TGCC.
Other names: c.1797_1799dup, p.Ala601_Lys602insAla (NM_001081752.3); c.1842_1844dup, p.Ala616_Lys617insAla (NM_001081753.3); c.1899_1901dup, p.Ala635_Lys636insAla (NM_001081754.3); c.1827_1829dup, p.Ala611_Lys612insAla (NM_001081755.3); c.1884_1886dup, p.Ala630_Lys631insAla (NM_001278912.2); c.1641_1643dup, p.Ala549_Lys550insAla (NM_001278913.2); c.1812_1814dup, p.Ala606_Lys607insAla (NM_001278914.2); c.1902_1904dup, p.Ala636_Lys637insAla (NM_001278915.2); and 4 more.
Identifiers: ClinVar variation 3689248 (VCV003689248.2).

ClinVar aggregate classification (germline): Uncertain significance (1 of 4 stars; one submission).

Conditions:
Supravalvar aortic stenosis (SVAS). Also called: Supravalvar aortic stenosis, Eisenberg type. Identifiers: Orphanet 3193, MedGen C0003499, MONDO:0008504, OMIM 185500, HP:0004381.

Submission:

Labcorp Genetics (formerly Invitae), Labcorp
Classification: Uncertain significance for Supravalvar aortic stenosis. Last evaluated: 2024-05-06. Review status: criteria provided, single submitter. Criteria: Invitae Variant Classification Sherloc (09022015). Collection method: clinical testing. Allele origin: germline.
Comment: This variant, c.2070_2072dup, results in the insertion of 1 amino acid(s) of the ELN protein (p.Ala692dup), but otherwise preserves the integrity of the reading frame. This variant is not present in population databases (gnomAD no frequency). This variant has not been reported in the literature in individuals affected with ELN-related conditions. In summary, the available evidence is currently insufficient to determine the role of this variant in disease. Therefore, it has been classified as a Variant of Uncertain Significance.